The following is an entry in ClinVar:

NM_080425.4(GNAS):c.163C>T (p.His55Tyr)

Gene: GNAS (GNAS complex locus; plus strand). Cytogenetic location: 20q13.32.
Variant type: single nucleotide variant.
Coding change: c.163C>T on transcript NM_080425.4 (MANE Plus Clinical); coding-DNA position 163, C replaced by T.
Protein change: p.His55Tyr; replaces histidine 55 with tyrosine.
Molecular consequence: missense variant. On other transcripts: 5 prime UTR variant (2), intron variant (3).
Genome position (GRCh38, 1-based): chr20:58,853,428, C>T. VCF-style: chr20-58853428-C-T. GRCh37 (hg19) VCF-style: chr20-57428483-C-T.
Other names: c.-25C>T (NM_001077490.3, NM_001309883.1); c.163C>T, p.His55Tyr (NM_001410913.1); c.*42+12542C>T (NM_016592.5); c.43+12542C>T (NM_001410912.1); c.-39+11553C>T (NM_001309861.2); short protein forms H55Y.
Identifiers: ClinVar variation 3357311 (VCV003357311.2).

ClinVar aggregate classification (germline): Uncertain significance (1 of 4 stars; one submission).

Conditions:
GNAS-related disorder. Identifiers: MedGen CN380105.

gnomAD v4.1: 91 of 1,602,414 alleles (0.0057%); highest among the groups gnomAD compares: Non-Finnish European, 0.0073%; no homozygotes.

Submission:

PreventionGenetics, part of Exact Sciences
Classification: Uncertain significance for GNAS-related condition. Last evaluated: 2026-06-22. Review status: criteria provided, single submitter. Criteria: ACMG Guidelines, 2015. Collection method: clinical testing. Allele origin: germline.
Comment: The GNAS c.163C>T variant is predicted to result in the amino acid substitution p.His55Tyr. To our knowledge, this variant has not been reported in the literature. This variant is reported in 0.0068% of alleles in individuals of European (Non-Finnish) descent in gnomAD. Of note, in the more commonly reported transcript (NM_000516.5) this variant is pre-coding (c.-38299C>T). At this time, the clinical significance of this variant is uncertain due to the absence of conclusive functional and genetic evidence.